The following is an entry in ClinVar:

NM_000245.4(MET):c.2225C>T (p.Pro742Leu)

Gene: MET (MET proto-oncogene, receptor tyrosine kinase; plus strand). Cytogenetic location: 7q31.2.
Variant type: single nucleotide variant.
Coding change: c.2225C>T on transcript NM_000245.4 (MANE Select); coding-DNA position 2225, C replaced by T.
Protein change: p.Pro742Leu; replaces proline 742 with leucine.
Molecular consequence: missense variant.
Genome position (GRCh38, 1-based): chr7:116,758,581, C>T. VCF-style: chr7-116758581-C-T. GRCh37 (hg19) VCF-style: chr7-116398635-C-T.
Other names: c.2225C>T, p.Pro742Leu (NM_001127500.3, NM_001324401.3); c.935C>T, p.Pro312Leu (NM_001324402.2); short protein forms P742L, P312L.
Identifiers: ClinVar variation 3005924 (VCV003005924.3), dbSNP rs2116932310, ClinGen allele CA368980792.

ClinVar aggregate classification (germline): Uncertain significance (1 of 4 stars; one submission).

Conditions:
Renal cell carcinoma. Identifiers: Orphanet 217071, MedGen C0007134, MeSH D002292, MONDO:0005086, HP:0005584.

Submission:

Labcorp Genetics (formerly Invitae), Labcorp
Classification: Uncertain significance for Renal cell carcinoma. Last evaluated: 2023-05-02. Review status: criteria provided, single submitter. Criteria: Invitae Variant Classification Sherloc (09022015). Collection method: clinical testing. Allele origin: germline.
Comment: This sequence change replaces proline, which is neutral and non-polar, with leucine, which is neutral and non-polar, at codon 742 of the MET protein (p.Pro742Leu). This variant is not present in population databases (gnomAD no frequency). In summary, the available evidence is currently insufficient to determine the role of this variant in disease. Therefore, it has been classified as a Variant of Uncertain Significance. Advanced modeling of protein sequence and biophysical properties (such as structural, functional, and spatial information, amino acid conservation, physicochemical variation, residue mobility, and thermodynamic stability) performed at Invitae indicates that this missense variant is expected to disrupt MET protein function. This variant has not been reported in the literature in individuals affected with MET-related conditions.